The following is an entry in ClinVar:

NM_138413.4(HOGA1):c.266G>A (p.Arg89His)

Gene: HOGA1 (4-hydroxy-2-oxoglutarate aldolase 1; plus strand). Cytogenetic location: 10q24.2.
Variant type: single nucleotide variant.
Coding change: c.266G>A on transcript NM_138413.4 (MANE Select); coding-DNA position 266, G replaced by A.
Protein change: p.Arg89His; replaces arginine 89 with histidine.
Molecular consequence: missense variant. On other transcripts: intron variant (1).
Genome position (GRCh38, 1-based): chr10:97,598,829, G>A. VCF-style: chr10-97598829-G-A. GRCh37 (hg19) VCF-style: chr10-99358586-G-A.
Other names: c.212-3028G>A (NM_001134670.2); c.266G>A (NM_138413.3); short protein forms R89H.
Identifiers: ClinVar variation 2664387 (VCV002664387.4), dbSNP rs765160493, ClinGen allele CA5634033.
Genomic context (GRCh38, chr10:97,598,829, plus strand): 5'-TTGCAGGCTTCGTGGTCCAGGGCTCCAATGGCGAGTTTCCTTTCCTGACCAGCAGTGAGC[G>A]CCTCGAGGTGGTGAGCCGTGTGCGCCAGGCCATGCCCAAGAACAGGCTCCTGCTAGCTGG-3'
Protein context (NP_612422.2, residues 79-99): GEFPFLTSSE[Arg89His]LEVVSRVRQA

ClinVar aggregate classification (germline): Likely pathogenic. Review status: criteria provided, multiple submitters, no conflicts (2 of 4 stars). 4 submissions from 4 submitters: Likely pathogenic (4). Last evaluated 2026-01-26.

Conditions:
Primary hyperoxaluria type 3. Also called: PH III. Identifiers: Orphanet 416, Orphanet 93600, MedGen C3150878, MONDO:0013327, OMIM 613616. Disease mechanism: loss of function.

Allele frequency attached by ClinVar (database versions not stated): TOPMed below 0.00001; ExAC 0.00002.
gnomAD v4.1: 24 of 1,614,166 alleles (0.0015%); highest among the groups gnomAD compares: South Asian, 0.013%; no homozygotes.

Submissions (4):

Labcorp Genetics (formerly Invitae), Labcorp
Classification: Likely pathogenic. Last evaluated: 2026-01-26. Review status: criteria provided, single submitter. Criteria: Invitae Variant Classification Sherloc (09022015). Collection method: clinical testing. Allele origin: germline.
Comment: This sequence change replaces arginine, which is basic and polar, with histidine, which is basic and polar, at codon 89 of the HOGA1 protein (p.Arg89His). This variant is present in population databases (rs765160493, gnomAD 0.01%). This missense change has been observed in individual(s) with hyperoxaluria disease (PMID: 33865885, 39933499). In at least one individual the data is consistent with being in trans (on the opposite chromosome) from a pathogenic variant. ClinVar contains an entry for this variant (Variation ID: 2664387). Invitae Evidence Modeling of protein sequence and biophysical properties (such as structural, functional, and spatial information, amino acid conservation, physicochemical variation, residue mobility, and thermodynamic stability) indicates that this missense variant is expected to disrupt HOGA1 protein function with a positive predictive value of 95%. In summary, the currently available evidence indicates that the variant is pathogenic, but additional data are needed to prove that conclusively. Therefore, this variant has been classified as Likely Pathogenic.

Natera, Inc.
Classification: Likely pathogenic for Primary hyperoxaluria type III. Last evaluated: 2025-11-10. Review status: criteria provided, single submitter. Criteria: Natera Variant Classification Schema (03/2026). Collection method: clinical testing. Allele origin: germline.
Comment: The c.266G>A variant in HOGA1 is a missense variant predicted to cause substitution of arginine to histidine at amino acid 89. This variant is rare in the general population with a frequency below the threshold expected for the associated phenotype(s). This variant has been observed in one or more individuals affected with the associated recessive disease, as either homozygous or compound heterozygous with a second variant (PMID: 39933499, 33865885). Computational prediction algorithms indicate this variant is likely to affect gene or protein function. Given the available evidence, this variant is classified as Likely Pathogenic.

Myriad Genetics, Inc.
Classification: Likely pathogenic for Primary hyperoxaluria type 3. Last evaluated: 2025-02-19. Review status: criteria provided, single submitter. Criteria: Myriad Autosomal Dominant, Autosomal Recessive and X-Linked Classification Criteria (2023). Collection method: clinical testing. Allele origin: unknown.
Comment: NM_138413.3(HOGA1):c.266G>A(R89H) is a missense variant classified as likely pathogenic in the context of primary hyperoxaluria type 3. R89H has been observed in cases with relevant disease (PMID: 33865885, 39933499). Relevant functional assessments of this variant are not available in the literature. R89H has been observed in referenced population frequency databases. In summary, NM_138413.3(HOGA1):c.266G>A(R89H) is a missense variant that has been observed more frequently in cases with the relevant disease than in healthy populations. Please note: this variant was assessed in the context of healthy population screening.

Clinical Biochemistry Laboratory, Health Services Laboratory
Classification: Likely pathogenic for Primary hyperoxaluria type 3. Last evaluated: 2023-10-27. Review status: criteria provided, single submitter. Criteria: ACMG Guidelines, 2015. Collection method: curation. Allele origin: germline. Affected: yes.
Comment: ACMG:PM2 PM3 PP3 PP4 BP1

Literature cited by the submitters: PubMed 33865885 (cited by 4 submitters); PubMed 39933499 (cited by 3 submitters).